The following is an entry in ClinVar:

NM_022356.4(P3H1):c.2152C>G (p.Pro718Ala)

Gene: P3H1 (prolyl 3-hydroxylase 1; minus strand). Cytogenetic location: 1p34.2.
Variant type: single nucleotide variant.
Coding change: c.2152C>G on transcript NM_022356.4 (MANE Select); coding-DNA position 2152, C replaced by G.
Protein change: p.Pro718Ala; replaces proline 718 with alanine.
Molecular consequence: missense variant. On other transcripts: 3 prime UTR variant (2).
Genome position (GRCh38, 1-based): chr1:42,746,756, G>C on the plus strand (C>G on the coding strand, the complement: P3H1 is on the minus strand). VCF-style: chr1-42746756-G-C. GRCh37 (hg19) VCF-style: chr1-43212427-G-C.
Other names: c.*77C>G (NM_001146289.2); c.*156C>G (NM_001243246.2); short protein forms P718A.
Identifiers: ClinVar variation 194557 (VCV000194557.24), dbSNP rs533729683, ClinGen allele CA240595.
Genomic context (GRCh38, chr1:42,746,756, plus strand): 5'-GTCATAGCTCATCCTTGGGCTTCGATTCACTGCCTGAGAGAGACTCTTGTGCAGGTTCGG[G>C]GGGGCCCTGCTGGGCATCCAGGGGCTGCTCCTGGGAGAGGTCCATCTCTTCTGGGCTGAA-3'
Protein context (NP_071751.3, residues 708-728): EQPLDAQQGP[Pro718Ala]EPAQESLSGS

ClinVar aggregate classification (germline): Conflicting classifications of pathogenicity. Review status: criteria provided, conflicting classifications (1 of 4 stars). 6 submissions from 5 submitters: Uncertain significance (2); Benign (1); Likely benign (2). 1 of the submissions does not count toward it. Last evaluated 2026-02-01.

Conditions:
Osteogenesis Imperfecta, Recessive.
P3H1-related disorder. Also called: P3H1-related condition.
Osteogenesis imperfecta type 8 (OI8). Identifiers: MedGen C1970458, MONDO:0012581, OMIM 610915.

Allele frequency attached by ClinVar (database versions not stated): gnomAD 0.00038; TOPMed 0.00076; gnomAD exomes 0.00086; 1000 Genomes Project 30x 0.00203; 1000 Genomes Project 0.00260.

Submissions (6):

Labcorp Genetics (formerly Invitae), Labcorp
Classification: Benign for Osteogenesis imperfecta type 8. Last evaluated: 2026-02-01. Review status: criteria provided, single submitter. Criteria: Invitae Variant Classification Sherloc (09022015). Collection method: clinical testing. Allele origin: germline.

GeneDx
Classification: Likely benign. Last evaluated: 2021-03-15. Review status: criteria provided, single submitter. Criteria: GeneDx Variant Classification Process June 2021. Collection method: clinical testing. Allele origin: germline. Affected: yes.

Illumina Laboratory Services, Illumina
Classification: Likely benign for Osteogenesis imperfecta type 8. Last evaluated: 2018-01-12. Review status: criteria provided, single submitter. Criteria: ICSL Variant Classification Criteria 13 December 2019. Collection method: clinical testing. Allele origin: germline.
Comment: This variant was observed in the ICSL laboratory as part of a predisposition screen in an ostensibly healthy population. It had not been previously curated by ICSL or reported in the Human Gene Mutation Database (HGMD: prior to June 1st, 2018), and was therefore a candidate for classification through an automated scoring system. Utilizing variant allele frequency, disease prevalence and penetrance estimates, and inheritance mode, an automated score was calculated to assess if this variant is too frequent to cause the disease. Based on the score and internal cut-off values, a variant classified as likely benign is not then subjected to further curation. The score for this variant resulted in a classification of likely benign for this disease.

Illumina Laboratory Services, Illumina
Classification: Uncertain significance for Osteogenesis Imperfecta, Recessive. Last evaluated: 2017-04-27. Review status: criteria provided, single submitter. Criteria: ICSL Variant Classification Criteria 13 December 2019. Collection method: clinical testing. Allele origin: germline.

Eurofins Ntd Llc (ga)
Classification: Uncertain significance. Last evaluated: 2014-10-20. Review status: criteria provided, single submitter. Criteria: EGL Classification Definitions 2015. Collection method: clinical testing. Allele origin: germline. Observed: 1 variant allele, 1 heterozygote.

PreventionGenetics, part of Exact Sciences
Classification: Likely benign for P3H1-related condition. Last evaluated: 2019-03-21. Review status: no assertion criteria provided. Collection method: clinical testing. Allele origin: germline. Not counted in ClinVar's aggregate classification.
Comment: This variant is classified as likely benign based on ACMG/AMP sequence variant interpretation guidelines (Richards et al. 2015 PMID: 25741868, with internal and published modifications).